The following is an entry in ClinVar:

NM_205836.3(FBXO38):c.238C>T (p.Arg80Trp)

Gene: FBXO38 (F-box protein 38; plus strand). Cytogenetic location: 5q32.
Variant type: single nucleotide variant.
Coding change: c.238C>T on transcript NM_205836.3 (MANE Select); coding-DNA position 238, C replaced by T.
Protein change: p.Arg80Trp; replaces arginine 80 with tryptophan.
Molecular consequence: missense variant.
Genome position (GRCh38, 1-based): chr5:148,399,108, C>T. VCF-style: chr5-148399108-C-T. GRCh37 (hg19) VCF-style: chr5-147778671-C-T.
Other names: c.238C>T, p.Arg80Trp (NM_001271723.2, NM_030793.5); short protein forms R80W.
Identifiers: ClinVar variation 2200029 (VCV002200029.4), dbSNP rs1487923917, ClinGen allele CA361654284.

ClinVar aggregate classification (germline): Uncertain significance (1 of 4 stars; one submission).

Conditions:
Distal hereditary motor neuropathy type 2. Identifiers: Orphanet 139525, MedGen C3711384, MeSH C580044, MONDO:0015352.

Allele frequency attached by ClinVar (database versions not stated): gnomAD exomes 0.00001; TOPMed 0.00001.
gnomAD v4.1: 15 of 1,612,676 alleles (0.00093%); highest among the groups gnomAD compares: East Asian, 0.0022%; no homozygotes.

Submission:

Labcorp Genetics (formerly Invitae), Labcorp
Classification: Uncertain significance for Distal hereditary motor neuropathy type 2. Last evaluated: 2022-06-03. Review status: criteria provided, single submitter. Criteria: Invitae Variant Classification Sherloc (09022015). Collection method: clinical testing. Allele origin: germline.
Comment: In summary, the available evidence is currently insufficient to determine the role of this variant in disease. Therefore, it has been classified as a Variant of Uncertain Significance. Algorithms developed to predict the effect of missense changes on protein structure and function are either unavailable or do not agree on the potential impact of this missense change (SIFT: "Deleterious"; PolyPhen-2: "Probably Damaging"; Align-GVGD: "Class C0"). This variant has not been reported in the literature in individuals affected with FBXO38-related conditions. This variant is not present in population databases (gnomAD no frequency). This sequence change replaces arginine, which is basic and polar, with tryptophan, which is neutral and slightly polar, at codon 80 of the FBXO38 protein (p.Arg80Trp).